The following is an entry in ClinVar:

ClinVar aggregate classification (germline): Uncertain significance. Review status: criteria provided, multiple submitters, no conflicts (2 of 4 stars). 3 submissions from 3 submitters: Uncertain significance (3). Last evaluated 2024-04-17.

Conditions:
Congenital myotonia, autosomal recessive form. Also called: BECKER DISEASE; Becker Generalized Myotonia; myotonia congenita, autosomal recessive. Identifiers: Orphanet 614, MedGen C0751360, MONDO:0009715, OMIM 255700.
Congenital myotonia, autosomal dominant form (THD). Also called: THOMSEN DISEASE; Myotonia congenita autosomal dominant. Identifiers: Orphanet 614, MedGen C2936781, MONDO:0008055, OMIM 160800.

Allele frequency attached by ClinVar (database versions not stated): gnomAD 0.00001; gnomAD exomes 0.00001.
gnomAD v4.1: 4 of 1,532,848 alleles (0.00026%); highest among the groups gnomAD compares: East Asian, 0.0049%; no homozygotes.

Submissions (3):

Women's Health and Genetics/Laboratory Corporation of America, LabCorp
Classification: Uncertain significance. Last evaluated: 2024-04-17. Review status: criteria provided, single submitter. Criteria: LabCorp Variant Classification Summary - May 2015. Collection method: clinical testing. Allele origin: germline.
Comment: Variant summary: CLCN1 c.1931A>G (p.Asp644Gly) results in a non-conservative amino acid change in the encoded protein sequence. Five of five in-silico tools predict a damaging effect of the variant on protein function. Consensus agreement among computation tools predict no significant impact on normal splicing. However, these predictions have yet to be confirmed by functional studies. The variant allele was found at a frequency of 1.3e-05 in 150642 control chromosomes. The available data on variant occurrences in the general population are insufficient to allow any conclusion about variant significance. c.1931A>G has been reported in the literature in individuals affected with Myotonia congenita (Jou_2004). These report(s) do not provide unequivocal conclusions about association of the variant with Myotonia congenita. At least one publication reports experimental evidence evaluating an impact on protein function, however, does not allow convincing conclusions about the variant effect (Lin_2008). The following publications have been ascertained in the context of this evaluation (PMID: 15311340, 17097617, 18035046). ClinVar contains an entry for this variant (Variation ID: 2136176). Based on the evidence outlined above, the variant was classified as uncertain significance.

Labcorp Genetics (formerly Invitae), Labcorp
Classification: Uncertain significance for Congenital myotonia, autosomal recessive form; Congenital myotonia, autosomal dominant form. Last evaluated: 2023-11-19. Review status: criteria provided, single submitter. Criteria: Invitae Variant Classification Sherloc (09022015). Collection method: clinical testing. Allele origin: germline.
Comment: This sequence change replaces aspartic acid, which is acidic and polar, with glycine, which is neutral and non-polar, at codon 644 of the CLCN1 protein (p.Asp644Gly). This variant is present in population databases (no rsID available, gnomAD 0.02%). This missense change has been observed in individual(s) with myotonia congenita (PMID: 15311340). ClinVar contains an entry for this variant (Variation ID: 2136176). An algorithm developed to predict the effect of missense changes on protein structure and function (PolyPhen-2) suggests that this variant is likely to be disruptive. Experimental studies have shown that this missense change affects CLCN1 function (PMID: 17097617). In summary, the available evidence is currently insufficient to determine the role of this variant in disease. Therefore, it has been classified as a Variant of Uncertain Significance.

GeneDx
Classification: Uncertain significance. Last evaluated: 2022-07-20. Review status: criteria provided, single submitter. Criteria: GeneDx Variant Classification Process June 2021. Collection method: clinical testing. Allele origin: germline. Affected: yes.
Comment: Reported previously in the compound heterozygous state in a patient with grip/percussion myotonia and variable attacks of muscle stiffness; however, it was unclear if one or both variants were the cause of the symptoms (Jou et al., 2004); Published electrophysiological studies demonstrate that p.(D644G) does not alter channel conductance, but results in a shift of voltage dependence, potentially changing the gating properties of the channel (Lin et al., 2006; Lin et al., 2008); Not observed at significant frequency in large population cohorts (gnomAD); In silico analysis supports that this missense variant has a deleterious effect on protein structure/function; This variant is associated with the following publications: (PMID: 15786415, 19185184, 34790634, 16629771, 18035046, 18220014, 17097617, 15311340)

Literature cited by the submitters: PubMed 15311340 (cited by Women's Health and Genetics/Laboratory Corporation of America, LabCorp and Labcorp Genetics (formerly Invitae), Labcorp); PubMed 17097617 (cited by Women's Health and Genetics/Laboratory Corporation of America, LabCorp and Labcorp Genetics (formerly Invitae), Labcorp); PubMed 18035046 (cited by Women's Health and Genetics/Laboratory Corporation of America, LabCorp).

NM_000083.3(CLCN1):c.1931A>G (p.Asp644Gly)

Genes: CLCN1 (chloride voltage-gated channel 1; plus strand), LOC123956257 (Sharpr-MPRA regulatory region 4117; plus strand). Cytogenetic location: 7q34.
Variant type: single nucleotide variant.
Coding change: c.1931A>G on transcript NM_000083.3 (MANE Select); coding-DNA position 1931, A replaced by G.
Protein change: p.Asp644Gly; replaces aspartic acid 644 with glycine.
Molecular consequence: missense variant. On other transcripts: non-coding transcript variant (1).
Genome position (GRCh38, 1-based): chr7:143,345,521, A>G. VCF-style: chr7-143345521-A-G. GRCh37 (hg19) VCF-style: chr7-143042614-A-G.
Other names: short protein forms D644G.
Identifiers: ClinVar variation 2136176 (VCV002136176.5), dbSNP rs1402378708, ClinGen allele CA369649296.